The following is an entry in ClinVar:

NM_002226.5(JAG2):c.3269_3314dup (p.Trp1105fs)

Gene: JAG2 (jagged canonical Notch ligand 2; minus strand). Cytogenetic location: 14q32.33.
Variant type: Duplication.
Coding change: c.3269_3314dup on transcript NM_002226.5 (MANE Select); coding-DNA positions 3269 to 3314, 46 bases duplicated.
Protein change: p.Trp1105fs; shifts the reading frame from tryptophan 1105.
Molecular consequence: frameshift variant.
Genome position (GRCh38, 1-based): chr14:105,143,098-105,143,143, 46 bases duplicated; duplicating any 46 consecutive bases within chr14:105,143,098-105,143,151 gives the same sequence; the c. name uses the placement nearest the transcript's 3' end. GRCh37 (hg19): chr14:105,609,443-105,609,488.
Other names: c.3155_3200dup, p.Trp1067fs (NM_145159.3); short protein forms W1067fs, W1105fs.
Identifiers: ClinVar variation 3773806 (VCV003773806.1).
Genomic context (GRCh38, chr14:105,143,097, plus strand): 5'-GTTGGCGCTCTCCTCCCGCGGCAGCCGGCTCCTCTCCCGCTCTTTCCTGCGCTTGCGTGT[C>CCACCACACGCACAGGACCACGCACGCCAGCCACAGCACGCTGAAGG]CACCACACGCACAGGACCACGCACGCCAGCCACAGCACGCTGAAGGCACCACACAGCACA-3'

ClinVar aggregate classification (germline): Uncertain significance (1 of 4 stars; one submission).

Conditions:
Muscular dystrophy, limb-girdle, autosomal recessive 27. Identifiers: MedGen C5562002, MONDO:0030456, OMIM 619566.

Submission:

Molecular Genetics, Royal Melbourne Hospital
Classification: Uncertain significance for Muscular dystrophy, limb-girdle, autosomal recessive 27. Last evaluated: 2024-11-04. Review status: criteria provided, single submitter. Criteria: ACMG Guidelines, 2015. Collection method: clinical testing. Allele origin: germline. Inheritance: Autosomal recessive inheritance. Affected: yes.
Comment: This sequence change in JAG2 is a frameshift variant predicted to create a premature stop codon, p.(Trp1105Cysfs*50), expected to escape nonsense-mediated decay and remove <10% of the protein, in a gene where loss-of-function is an established disease mechanism (PMID: 33861953). This variant is absent from the population database gnomAD v4.1. To our knowledge, this variant is has not been previously reported in the relevant scientific literature or databases. Based on the classification scheme RMH Modified ACMG/AMP Guidelines v1.7.0, this variant is classified as a VARIANT OF UNCERTAIN SIGNIFICANCE. Following criteria are met: PVS1_Moderate, PM2_Supporting, PM3_Supporting.

Literature cited by the submitters: PubMed 33861953.